The following is an entry in ClinVar:

NM_133459.4(CCBE1):c.703G>A (p.Gly235Ser)

Gene: CCBE1 (collagen and calcium binding EGF domains 1; minus strand). Cytogenetic location: 18q21.32.
Variant type: single nucleotide variant.
Coding change: c.703G>A on transcript NM_133459.4 (MANE Select); coding-DNA position 703, G replaced by A.
Protein change: p.Gly235Ser; replaces glycine 235 with serine.
Molecular consequence: missense variant.
Genome position (GRCh38, 1-based): chr18:59,448,055, C>T on the plus strand (G>A on the coding strand, the complement: CCBE1 is on the minus strand). VCF-style: chr18-59448055-C-T. GRCh37 (hg19) VCF-style: chr18-57115287-C-T.
Other names: short protein forms G235S.
Identifiers: ClinVar variation 3485845 (VCV003485845.2).

ClinVar aggregate classification (germline): Uncertain significance. Review status: criteria provided, multiple submitters, no conflicts (2 of 4 stars). 2 submissions from 2 submitters: Uncertain significance (2). Last evaluated 2025-06-17.

Conditions:
Inborn genetic diseases. Identifiers: MedGen C0950123, MeSH D030342.

gnomAD v4.1: 5 of 1,613,936 alleles (0.00031%); highest among the groups gnomAD compares: African/African-American, 0.0067%; no homozygotes.

Submissions (2):

Labcorp Genetics (formerly Invitae), Labcorp
Classification: Uncertain significance. Last evaluated: 2025-06-17. Review status: criteria provided, single submitter. Criteria: Invitae Variant Classification Sherloc (09022015). Collection method: clinical testing. Allele origin: germline.
Comment: This sequence change replaces glycine, which is neutral and non-polar, with serine, which is neutral and polar, at codon 235 of the CCBE1 protein (p.Gly235Ser). This variant is present in population databases (rs753954949, gnomAD 0.008%). This variant has not been reported in the literature in individuals affected with CCBE1-related conditions. ClinVar contains an entry for this variant (Variation ID: 3485845). Invitae Evidence Modeling of protein sequence and biophysical properties (such as structural, functional, and spatial information, amino acid conservation, physicochemical variation, residue mobility, and thermodynamic stability) indicates that this missense variant is not expected to disrupt CCBE1 protein function with a negative predictive value of 80%. In summary, the available evidence is currently insufficient to determine the role of this variant in disease. Therefore, it has been classified as a Variant of Uncertain Significance.

Ambry Genetics
Classification: Uncertain significance for Inborn genetic diseases. Last evaluated: 2024-12-03. Review status: criteria provided, single submitter. Criteria: Ambry Variant Classification Scheme 2023. Collection method: clinical testing. Allele origin: germline.